The following is an entry in ClinVar:

ClinVar aggregate classification (germline): Conflicting classifications of pathogenicity. Review status: criteria provided, conflicting classifications (1 of 4 stars). 3 submissions from 3 submitters: Uncertain significance (1); Likely benign (2). Last evaluated 2025-07-27.

Conditions:
FAT4-related disorder. Also called: FAT4-related condition.
Van Maldergem syndrome 2 (VMLDS2). Identifiers: Orphanet 314679, MedGen C3809875, MONDO:0014242, OMIM 615546.
Hennekam lymphangiectasia-lymphedema syndrome 2 (HKLLS2). Identifiers: Orphanet 2136, MedGen C4014939, MONDO:0014454, OMIM 616006.

Allele frequency attached by ClinVar (database versions not stated): gnomAD exomes 0.00004 and 0.00007; ExAC 0.00007; ESP Exome Variant Server 0.00008; gnomAD 0.00011; TOPMed 0.00013.
gnomAD v4.1: 72 of 1,613,972 alleles (0.0045%); highest among the groups gnomAD compares: African/African-American, 0.029%; no homozygotes.

Submissions (3):

Labcorp Genetics (formerly Invitae), Labcorp
Classification: Likely benign. Last evaluated: 2025-07-27. Review status: criteria provided, single submitter. Criteria: Invitae Variant Classification Sherloc (09022015). Collection method: clinical testing. Allele origin: germline.

PreventionGenetics, part of Exact Sciences
Classification: Likely benign for FAT4-related condition. Last evaluated: 2025-02-21. Review status: criteria provided, single submitter. Criteria: ACMG Guidelines, 2015. Collection method: clinical testing. Allele origin: germline.
Comment: This variant is classified as likely benign based on ACMG/AMP sequence variant interpretation guidelines (Richards et al. 2015 PMID: 25741868, with internal and published modifications).

Fulgent Genetics
Classification: Uncertain significance for Van Maldergem syndrome 2; Hennekam lymphangiectasia-lymphedema syndrome 2. Last evaluated: 2023-12-21. Review status: criteria provided, single submitter. Criteria: ACMG Guidelines, 2015. Collection method: clinical testing. Allele origin: germline.

NM_001291303.3(FAT4):c.4080C>T (p.His1360=)

Gene: FAT4 (FAT atypical cadherin 4; plus strand). Cytogenetic location: 4q28.1.
Variant type: single nucleotide variant.
Coding change: c.4080C>T on transcript NM_001291303.3 (MANE Select); coding-DNA position 4080, C replaced by T.
Protein change: p.His1360=; no amino-acid change (histidine 1360 retained).
Molecular consequence: synonymous variant.
Genome position (GRCh38, 1-based): chr4:125,320,491, C>T. VCF-style: chr4-125320491-C-T. GRCh37 (hg19) VCF-style: chr4-126241646-C-T.
Other names: c.4080C>T (NM_024582.5, NM_024582.4); c.4080C>T, p.His1360= (NM_001291285.3, NM_024582.6).
Identifiers: ClinVar variation 1589473 (VCV001589473.10), dbSNP rs371821589, ClinGen allele CA3072411.